The following is an entry in ClinVar:

NM_006258.4(PRKG1):c.1937C>T (p.Thr646Ile)

Gene: PRKG1 (protein kinase cGMP-dependent 1; plus strand). Cytogenetic location: 10q21.1.
Variant type: single nucleotide variant.
Coding change: c.1937C>T on transcript NM_006258.4 (MANE Select); coding-DNA position 1937, C replaced by T.
Protein change: p.Thr646Ile; replaces threonine 646 with isoleucine.
Molecular consequence: missense variant.
Genome position (GRCh38, 1-based): chr10:52,290,265, C>T. VCF-style: chr10-52290265-C-T. GRCh37 (hg19) VCF-style: chr10-54050025-C-T.
Other names: c.1892C>T, p.Thr631Ile (LRG_1135t2, NM_001098512.3); c.1937C>T, p.Thr646Ile (LRG_1135t1); short protein forms T646I, T631I.
Identifiers: ClinVar variation 544058 (VCV000544058.8), dbSNP rs1554824353, ClinGen allele CA376536663.

ClinVar aggregate classification (germline): Uncertain significance (1 of 4 stars; one submission).

Conditions:
Aortic aneurysm, familial thoracic 8 (AAT8). Identifiers: MedGen C3809513, MONDO:0014187, OMIM 615436.

Submission:

Labcorp Genetics (formerly Invitae), Labcorp
Classification: Uncertain significance for Aortic aneurysm, familial thoracic 8. Last evaluated: 2023-07-07. Review status: criteria provided, single submitter. Criteria: Invitae Variant Classification Sherloc (09022015). Collection method: clinical testing. Allele origin: germline.
Comment: ClinVar contains an entry for this variant (Variation ID: 544058). This variant has not been reported in the literature in individuals affected with PRKG1-related conditions. This variant is not present in population databases (gnomAD no frequency). This sequence change replaces threonine, which is neutral and polar, with isoleucine, which is neutral and non-polar, at codon 646 of the PRKG1 protein (p.Thr646Ile). An algorithm developed to predict the effect of missense changes on protein structure and function (PolyPhen-2) suggests that this variant is likely to be disruptive. In summary, the available evidence is currently insufficient to determine the role of this variant in disease. Therefore, it has been classified as a Variant of Uncertain Significance.